The following is an entry in ClinVar:

ClinVar aggregate classification (germline): Uncertain significance. Review status: criteria provided, multiple submitters, no conflicts (2 of 4 stars). 2 submissions from 2 submitters: Uncertain significance (2). Last evaluated 2025-10-28.

Conditions:
Osteogenesis imperfecta type I (OI1). Also called: Classic Non-deforming Osteogenesis Imperfecta with Blue Sclerae; Osteogenesis imperfecta type 1; OI, TYPE I; OSTEOGENESIS IMPERFECTA TARDA; OSTEOGENESIS IMPERFECTA WITH BLUE SCLERAE; Lobstein's Disease. Identifiers: Orphanet 216796, Orphanet 666, MedGen C0023931, MONDO:0008146, OMIM 166200. Disease mechanism: loss of function.

Allele frequency attached by ClinVar (database versions not stated): gnomAD exomes 0.00002.
gnomAD v4.1: 23 of 1,614,138 alleles (0.0014%); highest among the groups gnomAD compares: Non-Finnish European, 0.0019%; no homozygotes.

Submissions (2):

Labcorp Genetics (formerly Invitae), Labcorp
Classification: Uncertain significance for Osteogenesis imperfecta type I. Last evaluated: 2025-10-28. Review status: criteria provided, single submitter. Criteria: Invitae Variant Classification Sherloc (09022015). Collection method: clinical testing. Allele origin: germline.
Comment: This sequence change replaces proline, which is neutral and non-polar, with alanine, which is neutral and non-polar, at codon 604 of the COL1A1 protein (p.Pro604Ala). This variant is not present in population databases (gnomAD no frequency). This variant has not been reported in the literature in individuals affected with COL1A1-related conditions. ClinVar contains an entry for this variant (Variation ID: 1312068). Invitae Evidence Modeling of protein sequence and biophysical properties (such as structural, functional, and spatial information, amino acid conservation, physicochemical variation, residue mobility, and thermodynamic stability) indicates that this missense variant is not expected to disrupt COL1A1 protein function with a negative predictive value of 95%. In summary, the available evidence is currently insufficient to determine the role of this variant in disease. Therefore, it has been classified as a Variant of Uncertain Significance.

GeneDx
Classification: Uncertain significance. Last evaluated: 2019-09-04. Review status: criteria provided, single submitter. Criteria: GeneDx Variant Classification Process June 2021. Collection method: clinical testing. Allele origin: germline. Affected: yes.
Comment: Has not been previously published as pathogenic or benign to our knowledge; Not observed in large population cohorts (Lek et al., 2016); In silico analysis, which includes protein predictors and evolutionary conservation, supports that this variant does not alter protein structure/function; Occurs in the triple helical domain at the Y position in the canonical Gly-X-Y repeat; although this variant may have an effect on normal protein folding and function, missense substitution at the Y position is not a common mechanism of disease (Stenson et al., 2014)

NM_000088.4(COL1A1):c.1810C>G (p.Pro604Ala)

Gene: COL1A1 (collagen type I alpha 1 chain; minus strand). Cytogenetic location: 17q21.33.
Variant type: single nucleotide variant.
Coding change: c.1810C>G on transcript NM_000088.4 (MANE Select); coding-DNA position 1810, C replaced by G.
Protein change: p.Pro604Ala; replaces proline 604 with alanine.
Molecular consequence: missense variant.
Genome position (GRCh38, 1-based): chr17:50,193,005, G>C on the plus strand (C>G on the coding strand, the complement: COL1A1 is on the minus strand). VCF-style: chr17-50193005-G-C. GRCh37 (hg19) VCF-style: chr17-48270366-G-C.
Other names: short protein forms P604A.
Identifiers: ClinVar variation 1312068 (VCV001312068.10), dbSNP rs868525869, ClinGen allele CA400214896.